The following is an entry in ClinVar:

NM_015087.5(SPART):c.623C>T (p.Pro208Leu)

Gene: SPART (spartin; minus strand). Cytogenetic location: 13q13.3.
Variant type: single nucleotide variant.
Coding change: c.623C>T on transcript NM_015087.5 (MANE Select); coding-DNA position 623, C replaced by T.
Protein change: p.Pro208Leu; replaces proline 208 with leucine.
Molecular consequence: missense variant.
Genome position (GRCh38, 1-based): chr13:36,335,208, G>A on the plus strand (C>T on the coding strand, the complement: SPART is on the minus strand). VCF-style: chr13-36335208-G-A. GRCh37 (hg19) VCF-style: chr13-36909345-G-A.
Other names: c.623C>T, p.Pro208Leu (NM_001142294.2, NM_001142295.2, NM_001142296.2); short protein forms P208L.
Identifiers: ClinVar variation 2115957 (VCV002115957.4), dbSNP rs2500758114, ClinGen allele CA387862902.

ClinVar aggregate classification (germline): Uncertain significance (1 of 4 stars; one submission).

Submission:

Labcorp Genetics (formerly Invitae), Labcorp
Classification: Uncertain significance. Last evaluated: 2022-11-28. Review status: criteria provided, single submitter. Criteria: Invitae Variant Classification Sherloc (09022015). Collection method: clinical testing. Allele origin: germline.
Comment: Advanced modeling of protein sequence and biophysical properties (such as structural, functional, and spatial information, amino acid conservation, physicochemical variation, residue mobility, and thermodynamic stability) performed at Invitae indicates that this missense variant is not expected to disrupt SPART protein function. This sequence change replaces proline, which is neutral and non-polar, with leucine, which is neutral and non-polar, at codon 208 of the SPART protein (p.Pro208Leu). This variant is not present in population databases (gnomAD no frequency). This variant has not been reported in the literature in individuals affected with SPART-related conditions. In summary, the available evidence is currently insufficient to determine the role of this variant in disease. Therefore, it has been classified as a Variant of Uncertain Significance.